The following is an entry in ClinVar:

ClinVar aggregate classification (germline): Benign/Likely benign. Review status: criteria provided, multiple submitters, no conflicts (2 of 4 stars). 3 submissions from 3 submitters: Benign (1); Likely benign (2). Last evaluated 2024-12-19.

Conditions:
Autosomal dominant hypophosphatemic rickets (ADHR). Also called: HYPOPHOSPHATEMIA, AUTOSOMAL DOMINANT; VITAMIN D-RESISTANT RICKETS, AUTOSOMAL DOMINANT. Identifiers: Orphanet 89937, MedGen C0342642, MONDO:0008660, OMIM 193100.
Tumoral calcinosis, hyperphosphatemic, familial, 2. Identifiers: MedGen C4693863, MONDO:0060714, OMIM 617993.

Submissions (3):

Women's Health and Genetics/Laboratory Corporation of America, LabCorp
Classification: Likely benign. Last evaluated: 2024-12-19. Review status: criteria provided, single submitter. Criteria: LabCorp Variant Classification Summary - May 2015. Collection method: clinical testing. Allele origin: germline.
Comment: Variant summary: FGF23 c.315+15delT alters a nucleotide located at a position not widely known to affect splicing. Consensus agreement among computation tools predict no significant impact on normal splicing. However, these predictions have yet to be confirmed by functional studies. The variant allele was found at a frequency of 4e-06 in 250670 control chromosomes. The available data on variant occurrences in the general population are insufficient to allow any conclusion about variant significance. To our knowledge, no occurrence of c.315+15delT in individuals affected with Autosomal Dominant Hypophosphatemic Rickets and no experimental evidence demonstrating its impact on protein function have been reported. ClinVar contains an entry for this variant (Variation ID: 1644357). Based on the evidence outlined above, the variant was classified as likely benign.

Fulgent Genetics
Classification: Likely benign for Autosomal dominant hypophosphatemic rickets; Tumoral calcinosis, hyperphosphatemic, familial, 2. Last evaluated: 2022-05-10. Review status: criteria provided, single submitter. Criteria: ACMG Guidelines, 2015. Collection method: clinical testing. Allele origin: unknown.

Labcorp Genetics (formerly Invitae), Labcorp
Classification: Benign. Last evaluated: 2021-04-22. Review status: criteria provided, single submitter. Criteria: Invitae Variant Classification Sherloc (09022015). Collection method: clinical testing. Allele origin: germline.

NM_020638.3(FGF23):c.315+15del

Gene: FGF23 (fibroblast growth factor 23; minus strand). Cytogenetic location: 12p13.32.
Variant type: Deletion.
Coding change: c.315+15del on transcript NM_020638.3 (MANE Select); 15 bases into the intron after coding-DNA position 315, one base deleted (T; older notation c.315+15delT).
Molecular consequence: intron variant.
Genome position (GRCh38, 1-based): chr12:4,372,579, A deleted on the plus strand (T on the coding strand, the reverse complement: FGF23 is on the minus strand); the first of 6 consecutive A bases (chr12:4,372,579-4,372,584); deleting any one gives the same sequence. VCF-style (leftmost placement, unchanged base first): chr12-4372578-CA-C. GRCh37 (hg19) VCF-style: chr12-4481744-CA-C.
Other names: c.315+15delT (NM_020638.3).
Identifiers: ClinVar variation 1644357 (VCV001644357.10), dbSNP rs771309899, ClinGen allele CA6395725.